The following is an entry in ClinVar:

NM_000283.4(PDE6B):c.122C>G (p.Pro41Arg)

Gene: PDE6B (phosphodiesterase 6B; plus strand). Cytogenetic location: 4p16.3.
Variant type: single nucleotide variant.
Coding change: c.122C>G on transcript NM_000283.4 (MANE Select); coding-DNA position 122, C replaced by G.
Protein change: p.Pro41Arg; replaces proline 41 with arginine.
Molecular consequence: missense variant.
Genome position (GRCh38, 1-based): chr4:625,748, C>G. VCF-style: chr4-625748-C-G. GRCh37 (hg19) VCF-style: chr4-619537-C-G.
Other names: c.122C>G, p.Pro41Arg (NM_001145291.2); short protein forms P41R.
Identifiers: ClinVar variation 1010079 (VCV001010079.8), dbSNP rs1231216242, ClinGen allele CA355906209.
Genomic context (GRCh38, chr4:625,748, plus strand): 5'-AGTACTTTGGGAAGAAACTGAGCCCTGAGAATGTGGCCGCGGCCTGCGAGGACGGGTGCC[C>G]GCCGGACTGCGACAGCCTCCGGGACCTCTGCCAGGTGGAGGAGAGCACGGCGCTGCTGGA-3'
Protein context (NP_000274.3, residues 31-51): NVAAACEDGC[Pro41Arg]PDCDSLRDLC

ClinVar aggregate classification (germline): Uncertain significance (1 of 4 stars; one submission).

Submission:

Labcorp Genetics (formerly Invitae), Labcorp
Classification: Uncertain significance. Last evaluated: 2022-02-03. Review status: criteria provided, single submitter. Criteria: Invitae Variant Classification Sherloc (09022015). Collection method: clinical testing. Allele origin: germline.
Comment: ClinVar contains an entry for this variant (Variation ID: 1010079). In summary, the available evidence is currently insufficient to determine the role of this variant in disease. Therefore, it has been classified as a Variant of Uncertain Significance. Algorithms developed to predict the effect of missense changes on protein structure and function (SIFT, PolyPhen-2, Align-GVGD) all suggest that this variant is likely to be tolerated. This variant has not been reported in the literature in individuals affected with PDE6B-related conditions. This variant is not present in population databases (gnomAD no frequency). This sequence change replaces proline, which is neutral and non-polar, with arginine, which is basic and polar, at codon 41 of the PDE6B protein (p.Pro41Arg).